The following is an entry in ClinVar:

ClinVar aggregate classification (germline): Likely pathogenic (1 of 4 stars; one submission).

Conditions:
Progressive familial intrahepatic cholestasis (PFIC). Also called: Progressive intrahepatic cholestasis; Progressive family intrahepatic cholestasis. Identifiers: Orphanet 172, MedGen C0268312, MONDO:0015762.

Submission:

Department of Medical Genetics, Sanjay Gandhi Post Graduate Institute of Medical Sciences
Classification: Likely pathogenic for Progressive familial intrahepatic cholestasis. Last evaluated: 2026-04-30. Review status: criteria provided, single submitter. Criteria: ACMG Guidelines, 2015. Collection method: clinical testing. Allele origin: germline. Inheritance: Autosomal recessive inheritance. Affected: yes. Observed: 1 variant allele, 1 heterozygote.
Comment: This variant is absent in population databases, predicted to lead to frameshift and premature truncation of the protein and therefore classified as Likely pathogenic (PM2,PVS1),as per ACMG-AMP criteria 2015.

NM_205834.4(LSR):c.1640_1641del (p.Val547fs)

Gene: LSR (lipolysis stimulated lipoprotein receptor; plus strand). Cytogenetic location: 19q13.12.
Variant type: Microsatellite.
Coding change: c.1640_1641del on transcript NM_205834.4 (MANE Select); coding-DNA positions 1640 to 1641, 2 bases deleted (TG; older notation c.1640_1641delTG).
Protein change: p.Val547fs; shifts the reading frame from valine 547.
Molecular consequence: frameshift variant.
Genome position (GRCh38, 1-based): chr19:35,267,604-35,267,605, TG deleted; deleting any 2 consecutive bases within chr19:35,267,602-35,267,605 gives the same sequence; the c. name uses the placement nearest the transcript's 3' end. VCF-style (leftmost placement, unchanged base first): chr19-35267601-CTG-C. GRCh37 (hg19) VCF-style: chr19-35758504-CTG-C.
Other names: p.val547GlufsTer57; c.1580_1581del, p.Val527fs (NM_001260489.2); c.1316_1317del, p.Val439fs (NM_001260490.2); c.1433_1434del, p.Val478fs (NM_001385215.1); c.1583_1584del, p.Val528fs (NM_015925.7); c.1436_1437del, p.Val479fs (NM_205835.4); short protein forms V439fs, V478fs, V479fs, V527fs, V528fs, V547fs.
Identifiers: ClinVar variation 4852819 (VCV004852819.1).